The following is an entry in ClinVar:

NC_000002.11:g.(?_73716741)_(73718645_?)dup

Gene: ALMS1 (ALMS1 centrosome and basal body associated protein; plus strand). Cytogenetic location: 2p13.1.
Variant type: Duplication.
Identifiers: ClinVar variation 1519883 (VCV001519883.4).

ClinVar aggregate classification (germline): Likely pathogenic (1 of 4 stars; one submission).

Conditions:
Alstrom syndrome (ALMS). Identifiers: Orphanet 64, MedGen C0268425, MONDO:0008763, OMIM 203800.

Submission:

Labcorp Genetics (formerly Invitae), Labcorp
Classification: Likely pathogenic for Alstrom syndrome. Last evaluated: 2023-05-28. Review status: criteria provided, single submitter. Criteria: Invitae Variant Classification Sherloc (09022015). Collection method: clinical testing. Allele origin: germline.
Comment: This variant has not been reported in the literature in individuals affected with ALMS1-related conditions. This variant results in a copy number gain of the genomic region encompassing exon(s) 10 of the ALMS1 gene. While the exact position of this variant cannot be determined from the data, sub-genic copy number gains are generally in tandem (PMID: 25640679). This variant is predicted to be out-of-frame, and may result in an absent or disrupted protein product. Loss-of-function variants in ALMS1 are known to be pathogenic (PMID: 17594715). In summary, the currently available evidence indicates that the variant is pathogenic, but additional data are needed to prove that conclusively. Therefore, this variant has been classified as Likely Pathogenic.

Literature cited by the submitters: PubMed 25640679; PubMed 17594715.